The following is an entry in ClinVar:

ClinVar aggregate classification (germline): Uncertain significance. Review status: criteria provided, multiple submitters, no conflicts (2 of 4 stars). 2 submissions from 2 submitters: Uncertain significance (2). Last evaluated 2025-01-10.

Conditions:
Dilated cardiomyopathy 1Z (CMD1Z). Identifiers: Orphanet 154, MedGen C2678475, MONDO:0012745, OMIM 611879.
Hypertrophic cardiomyopathy 13. Also called: TNNC1-Related Familial Hypertrophic Cardiomyopathy. Identifiers: MedGen C2750472, MONDO:0013195, OMIM 613243.

gnomAD v4.1: 1 of 1,586,552 alleles (0.000063%); highest among the groups gnomAD compares: Admixed American, 0.0018%; no homozygotes.

Submissions (2):

Dasa
Classification: Uncertain significance. Last evaluated: 2025-01-10. Review status: criteria provided, single submitter. Criteria: DASA Assertion Criteria. Collection method: clinical testing. Allele origin: germline.
Comment: NM_003280.3(TNNC1):c.24+2T>G affects a canonical splice site and is predicted to disrupt normal RNA splicing. This variant is rare in population databases. The currently available literature and clinical evidence are not sufficient to establish a definitive association between this variant and the reported condition. Therefore, this variant is classified as a variant of uncertain significance.

Labcorp Genetics (formerly Invitae), Labcorp
Classification: Uncertain significance for Hypertrophic cardiomyopathy 13; Dilated cardiomyopathy 1Z. Last evaluated: 2022-02-05. Review status: criteria provided, single submitter. Criteria: Invitae Variant Classification Sherloc (09022015). Collection method: clinical testing. Allele origin: germline.
Comment: In summary, the available evidence is currently insufficient to determine the role of this variant in disease. Therefore, it has been classified as a Variant of Uncertain Significance. Algorithms developed to predict the effect of sequence changes on RNA splicing suggest that this variant may disrupt the consensus splice site. This variant has not been reported in the literature in individuals affected with TNNC1-related conditions. This variant is not present in population databases (gnomAD no frequency). This sequence change affects a donor splice site in intron 1 of the TNNC1 gene. It is expected to disrupt RNA splicing. Variants that disrupt the donor or acceptor splice site typically lead to a loss of protein function (PMID: 16199547), however the current clinical and genetic evidence is not sufficient to establish whether loss-of-function variants in TNNC1 cause disease.

Literature cited by the submitters: PubMed 16199547 (cited by Labcorp Genetics (formerly Invitae), Labcorp).

NM_003280.3(TNNC1):c.24+2T>G

Gene: TNNC1 (troponin C1, slow skeletal and cardiac type; minus strand). Cytogenetic location: 3p21.1.
Variant type: single nucleotide variant.
Coding change: c.24+2T>G on transcript NM_003280.3 (MANE Select); the canonical splice donor site of the intron after coding-DNA position 24, T replaced by G.
Molecular consequence: splice donor variant.
Genome position (GRCh38, 1-based): chr3:52,453,990, A>C on the plus strand (T>G on the coding strand, the complement: TNNC1 is on the minus strand). VCF-style: chr3-52453990-A-C. GRCh37 (hg19) VCF-style: chr3-52488006-A-C.
Identifiers: ClinVar variation 1403868 (VCV001403868.8), dbSNP rs2153230083, ClinGen allele CA353170755.